The following is an entry in ClinVar:

ClinVar aggregate classification (germline): Uncertain significance (1 of 4 stars; one submission).

Conditions:
Senior-Loken syndrome 8 (SLSN8). Identifiers: Orphanet 3156, MedGen C4225376, MONDO:0014579, OMIM 616307.
Asphyxiating thoracic dystrophy 5 (SRTD5). Also called: SHORT-RIB THORACIC DYSPLASIA 5 WITH OR WITHOUT POLYDACTYLY; SHORT-RIB THORACIC DYSPLASIA 5 WITHOUT POLYDACTYLY. Identifiers: Orphanet 474, MedGen C3280598, MONDO:0013717, OMIM 614376.

Submission:

Labcorp Genetics (formerly Invitae), Labcorp
Classification: Uncertain significance for Senior-Loken syndrome 8; Asphyxiating thoracic dystrophy 5. Last evaluated: 2023-09-19. Review status: criteria provided, single submitter. Criteria: Invitae Variant Classification Sherloc (09022015). Collection method: clinical testing. Allele origin: germline.
Comment: This sequence change replaces glutamine, which is neutral and polar, with lysine, which is basic and polar, at codon 1117 of the WDR19 protein (p.Gln1117Lys). This variant is not present in population databases (gnomAD no frequency). This variant has not been reported in the literature in individuals affected with WDR19-related conditions. Advanced modeling of protein sequence and biophysical properties (such as structural, functional, and spatial information, amino acid conservation, physicochemical variation, residue mobility, and thermodynamic stability) performed at Invitae indicates that this missense variant is not expected to disrupt WDR19 protein function. In summary, the available evidence is currently insufficient to determine the role of this variant in disease. Therefore, it has been classified as a Variant of Uncertain Significance.

NM_025132.4(WDR19):c.3349C>A (p.Gln1117Lys)

Gene: WDR19 (WD repeat domain 19; plus strand). Cytogenetic location: 4p14.
Variant type: single nucleotide variant.
Coding change: c.3349C>A on transcript NM_025132.4 (MANE Select); coding-DNA position 3349, C replaced by A.
Protein change: p.Gln1117Lys; replaces glutamine 1117 with lysine.
Molecular consequence: missense variant.
Genome position (GRCh38, 1-based): chr4:39,268,082, C>A. VCF-style: chr4-39268082-C-A. GRCh37 (hg19) VCF-style: chr4-39269702-C-A.
Other names: c.2869C>A, p.Gln957Lys (NM_001317924.2); short protein forms Q957K, Q1117K.
Identifiers: ClinVar variation 2946496 (VCV002946496.3), dbSNP rs2475379563, ClinGen allele CA356645352.